The following is an entry in ClinVar:

ClinVar aggregate classification (germline): Conflicting classifications of pathogenicity. Review status: criteria provided, conflicting classifications (1 of 4 stars). 2 submissions from 2 submitters: Likely pathogenic (1); Benign (1). Last evaluated 2026-04-01.

Conditions:
Primary ciliary dyskinesia. Also called: Ciliary dyskinesia. Identifiers: Orphanet 244, MedGen C0008780, MONDO:0016575, HP:0012265.

Submissions (2):

Department of Human Genetics, Hannover Medical School
Classification: Likely pathogenic for Primary Ciliary Dyskinesia. Last evaluated: 2026-04-01. Review status: criteria provided, single submitter. Criteria: ACMG Guidelines, 2015. Collection method: research. Allele origin: germline. Affected: no.
Comment: Classification performed by HerediClassify using the following criteria:['PVS1_protein_very_strong: Transcript ENST00000389916 is predicted to undergo NMD.']

Labcorp Genetics (formerly Invitae), Labcorp
Classification: Benign. Last evaluated: 2018-03-29. Review status: criteria provided, single submitter. Criteria: Invitae Variant Classification Sherloc (09022015). Collection method: clinical testing. Allele origin: germline.

NM_153209.4(KIF19):c.532del (p.Gly177_Val178insTer)

Gene: KIF19 (kinesin family member 19; plus strand). Cytogenetic location: 17q25.1.
Variant type: Deletion.
Coding change: c.532del on transcript NM_153209.4 (MANE Select); coding-DNA position 532, one base deleted (G; older notation c.532delG).
Protein change: p.Gly177_Val178insTer.
Molecular consequence: nonsense.
Genome position (GRCh38, 1-based): chr17:74,344,298, G deleted; the last of 5 consecutive G bases (chr17:74,344,294-74,344,298); deleting any one gives the same sequence. VCF-style (leftmost placement, unchanged base first): chr17-74344293-AG-A. GRCh37 (hg19) VCF-style: chr17-72340432-AG-A.
Identifiers: ClinVar variation 779462 (VCV000779462.4), dbSNP rs532366391, ClinGen allele CA8746163.